The following is an entry in ClinVar:

NM_017654.4(SAMD9):c.81G>C (p.Lys27Asn)

Gene: SAMD9 (sterile alpha motif domain containing 9; minus strand). Cytogenetic location: 7q21.2.
Variant type: single nucleotide variant.
Coding change: c.81G>C on transcript NM_017654.4 (MANE Select); coding-DNA position 81, G replaced by C.
Protein change: p.Lys27Asn; replaces lysine 27 with asparagine.
Molecular consequence: missense variant.
Genome position (GRCh38, 1-based): chr7:93,106,017, C>G on the plus strand (G>C on the coding strand, the complement: SAMD9 is on the minus strand). VCF-style: chr7-93106017-C-G. GRCh37 (hg19) VCF-style: chr7-92735330-C-G.
Other names: c.81G>C (NM_017654.3); c.81G>C, p.Lys27Asn (NM_001193307.2); short protein forms K27N.
Identifiers: ClinVar variation 3715688 (VCV003715688.3).

ClinVar aggregate classification (germline): Uncertain significance. Review status: criteria provided, multiple submitters, no conflicts (2 of 4 stars). 2 submissions from 2 submitters: Uncertain significance (2). Last evaluated 2026-01-07.

Conditions:
Inborn genetic diseases. Identifiers: MedGen C0950123, MeSH D030342.

gnomAD v4.1: 2 of 1,594,458 alleles (0.00013%); highest among the groups gnomAD compares: Non-Finnish European, 0.00017%; no homozygotes.

Submissions (2):

Labcorp Genetics (formerly Invitae), Labcorp
Classification: Uncertain significance. Last evaluated: 2026-01-07. Review status: criteria provided, single submitter. Criteria: Invitae Variant Classification Sherloc (09022015). Collection method: clinical testing. Allele origin: germline.
Comment: This sequence change replaces lysine, which is basic and polar, with asparagine, which is neutral and polar, at codon 27 of the SAMD9 protein (p.Lys27Asn). This variant is not present in population databases (gnomAD no frequency). This variant has not been reported in the literature in individuals affected with SAMD9-related conditions. ClinVar contains an entry for this variant (Variation ID: 3715688). Invitae Evidence Modeling of protein sequence and biophysical properties (such as structural, functional, and spatial information, amino acid conservation, physicochemical variation, residue mobility, and thermodynamic stability) indicates that this missense variant is not expected to disrupt SAMD9 protein function with a negative predictive value of 95%. In summary, the available evidence is currently insufficient to determine the role of this variant in disease. Therefore, it has been classified as a Variant of Uncertain Significance.

Ambry Genetics
Classification: Uncertain significance for Inborn genetic diseases. Last evaluated: 2025-03-17. Review status: criteria provided, single submitter. Criteria: Ambry Variant Classification Scheme 2023. Collection method: clinical testing. Allele origin: germline.
Comment: The p.K27N variant (also known as c.81G>C), located in coding exon 1 of the SAMD9 gene, results from a G to C substitution at nucleotide position 81. The lysine at codon 27 is replaced by asparagine, an amino acid with similar properties. This amino acid position is conserved. In addition, this alteration is predicted to be tolerated by in silico analysis. Based on the available evidence, the clinical significance of this variant remains unclear.